The following is an entry in ClinVar:

ClinVar aggregate classification (germline): Uncertain significance. Review status: criteria provided, multiple submitters, no conflicts (2 of 4 stars). 3 submissions from 3 submitters: Uncertain significance (3). Last evaluated 2023-10-26.

Conditions:
Charcot-Marie-Tooth disease type 4. Also called: Charcot-Marie-Tooth disease, type IV; Charcot-Marie-Tooth, Type 4. Identifiers: Orphanet 64749, MedGen C4082197, MONDO:0018995.
Inborn genetic diseases. Identifiers: MedGen C0950123, MeSH D030342.

Allele frequency attached by ClinVar (database versions not stated): gnomAD 0.00001; TOPMed 0.00002; ExAC 0.00004; gnomAD exomes 0.00004.
gnomAD v4.1: 57 of 1,613,656 alleles (0.0035%); highest among the groups gnomAD compares: Non-Finnish European, 0.0045%; no homozygotes.

Submissions (3):

Ambry Genetics
Classification: Uncertain significance for Inborn genetic diseases. Last evaluated: 2023-10-26. Review status: criteria provided, single submitter. Criteria: Ambry Variant Classification Scheme 2023. Collection method: clinical testing. Allele origin: germline.

Mayo Clinic Laboratories, Mayo Clinic
Classification: Uncertain significance. Last evaluated: 2022-10-06. Review status: criteria provided, single submitter. Criteria: ACMG Guidelines, 2015. Collection method: clinical testing. Allele origin: germline. Observed: 1 variant allele.
Comment: BP4

Labcorp Genetics (formerly Invitae), Labcorp
Classification: Uncertain significance for Charcot-Marie-Tooth disease type 4. Last evaluated: 2022-03-09. Review status: criteria provided, single submitter. Criteria: Invitae Variant Classification Sherloc (09022015). Collection method: clinical testing. Allele origin: germline.
Comment: This sequence change replaces serine, which is neutral and polar, with glycine, which is neutral and non-polar, at codon 5 of the PRX protein (p.Ser5Gly). This variant is present in population databases (rs767350599, gnomAD 0.006%). This variant has not been reported in the literature in individuals affected with PRX-related conditions. ClinVar contains an entry for this variant (Variation ID: 568585). Algorithms developed to predict the effect of missense changes on protein structure and function are either unavailable or do not agree on the potential impact of this missense change (SIFT: "Tolerated"; PolyPhen-2: "Not Available"; Align-GVGD: "Class C0"). In summary, the available evidence is currently insufficient to determine the role of this variant in disease. Therefore, it has been classified as a Variant of Uncertain Significance.

NM_181882.3(PRX):c.13A>G (p.Ser5Gly)

Gene: PRX (periaxin; minus strand). Cytogenetic location: 19q13.2.
Variant type: single nucleotide variant.
Coding change: c.13A>G on transcript NM_181882.3 (MANE Select); coding-DNA position 13, A replaced by G.
Protein change: p.Ser5Gly; replaces serine 5 with glycine.
Molecular consequence: missense variant.
Genome position (GRCh38, 1-based): chr19:40,407,920, T>C on the plus strand (A>G on the coding strand, the complement: PRX is on the minus strand). VCF-style: chr19-40407920-T-C. GRCh37 (hg19) VCF-style: chr19-40913827-T-C.
Other names: p.Ser5Gly; c.13A>G, p.Ser5Gly (NM_020956.2); short protein forms S5G.
Identifiers: ClinVar variation 568585 (VCV000568585.5), dbSNP rs767350599, ClinGen allele CA9444629.